The following is an entry in ClinVar:

ClinVar aggregate classification (germline): Uncertain significance (1 of 4 stars; one submission).

Submission:

GeneDx
Classification: Uncertain significance. Last evaluated: 2023-12-12. Review status: criteria provided, single submitter. Criteria: GeneDx Variant Classification Process June 2021. Collection method: clinical testing. Allele origin: germline. Affected: yes.
Comment: Has not been previously published as pathogenic or benign to our knowledge; Not observed at significant frequency in large population cohorts (gnomAD); In silico analysis supports that this missense variant does not alter protein structure/function

NM_003470.3(USP7):c.2858A>G (p.His953Arg)

Gene: USP7 (ubiquitin specific peptidase 7; minus strand). Cytogenetic location: 16p13.2.
Variant type: single nucleotide variant.
Coding change: c.2858A>G on transcript NM_003470.3 (MANE Select); coding-DNA position 2858, A replaced by G.
Protein change: p.His953Arg; replaces histidine 953 with arginine.
Molecular consequence: missense variant. On other transcripts: non-coding transcript variant (1).
Genome position (GRCh38, 1-based): chr16:8,895,703, T>C on the plus strand (A>G on the coding strand, the complement: USP7 is on the minus strand). VCF-style: chr16-8895703-T-C. GRCh37 (hg19) VCF-style: chr16-8989560-T-C.
Other names: c.2810A>G, p.His937Arg (NM_001286457.2); c.2561A>G, p.His854Arg (NM_001286458.2); c.2684A>G, p.His895Arg (NM_001321858.2); short protein forms H854R, H895R, H937R, H953R.
Identifiers: ClinVar variation 3252593 (VCV003252593.1), dbSNP rs2549214627.